The following is an entry in ClinVar:

NC_000017.10:g.(?_68171181)_(68172464_?)del

Gene: KCNJ2 (potassium inwardly rectifying channel subfamily J member 2; plus strand). Cytogenetic location: 17q24.3.
Variant type: Deletion.
Identifiers: ClinVar variation 2423433 (VCV002423433.3).

ClinVar aggregate classification (germline): Uncertain significance (1 of 4 stars; one submission).

Conditions:
Short QT syndrome type 3. Identifiers: Orphanet 51083, MedGen C1865018, MONDO:0012314, OMIM 609622.
Andersen Tawil syndrome (LQT7). Also called: Andersen Syndrome; LONG QT SYNDROME 7; ANDERSEN CARDIODYSRHYTHMIC PERIODIC PARALYSIS; PERIODIC PARALYSIS, POTASSIUM-SENSITIVE CARDIODYSRHYTHMIC TYPE; Potassium-sensitive periodic paralysis, ventricular ectopy, and dysmorphic features. Identifiers: Orphanet 37553, MedGen C1563715, MONDO:0008222, OMIM 170390.

Submission:

Labcorp Genetics (formerly Invitae), Labcorp
Classification: Uncertain significance for Short QT syndrome type 3; Andersen Tawil syndrome. Last evaluated: 2022-05-25. Review status: criteria provided, single submitter. Criteria: Invitae Variant Classification Sherloc (09022015). Collection method: clinical testing. Allele origin: germline.
Comment: A gross deletion of the genomic region encompassing the full coding sequence of the KCNJ2 gene has been identified. The current clinical and genetic evidence is not sufficient to establish whether loss-of-function variants in KCNJ2 cause disease. The boundaries of this event are unknown as they extend beyond the assayed region for this gene and therefore may encompass additional genes. Isolated whole-gene deletion of KCNJ2 have not been reported in the literature. However, larger copy number events that include this gene have been reported (PMID: 22166941, 22982078, 24395924). In summary, the available evidence is currently insufficient to determine the role of this variant in disease. Therefore, it has been classified as a Variant of Uncertain Significance.

Literature cited by the submitters: PubMed 22166941; PubMed 22982078; PubMed 24395924.